The following is an entry in ClinVar:

NM_133497.4(KCNV2):c.1123G>A (p.Val375Met)

Gene: KCNV2 (potassium voltage-gated channel modifier subfamily V member 2; plus strand). Cytogenetic location: 9p24.2.
Variant type: single nucleotide variant.
Coding change: c.1123G>A on transcript NM_133497.4 (MANE Select); coding-DNA position 1123, G replaced by A.
Protein change: p.Val375Met; replaces valine 375 with methionine.
Molecular consequence: missense variant.
Genome position (GRCh38, 1-based): chr9:2,718,862, G>A. VCF-style: chr9-2718862-G-A. GRCh37 (hg19) VCF-style: chr9-2718862-G-A.
Other names: short protein forms V375M.
Identifiers: ClinVar variation 1031606 (VCV001031606.11), dbSNP rs568147806, ClinGen allele CA4965770.

ClinVar aggregate classification (germline): Conflicting classifications of pathogenicity. Review status: criteria provided, conflicting classifications (1 of 4 stars). 3 submissions from 3 submitters: Uncertain significance (1); Benign (1); Likely benign (1). Last evaluated 2024-12-26.

Conditions:
Cone dystrophy with supernormal rod response (CDSRR). Also called: CONE DYSTROPHY WITH SUPERNORMAL ROD RESPONSES. Identifiers: Orphanet 209932, MedGen C1835897, MONDO:0012475, OMIM 610356.

Allele frequency attached by ClinVar (database versions not stated): gnomAD 0.00002 and 0.00015; TOPMed 0.00005; ExAC 0.00046; 1000 Genomes Project 30x 0.00078; 1000 Genomes Project 0.00100.
gnomAD v4.1: 324 of 1,609,152 alleles (0.02%); highest among the groups gnomAD compares: South Asian, 0.33%; 2 homozygotes.

Submissions (3):

Labcorp Genetics (formerly Invitae), Labcorp
Classification: Likely benign. Last evaluated: 2024-12-26. Review status: criteria provided, single submitter. Criteria: Invitae Variant Classification Sherloc (09022015). Collection method: clinical testing. Allele origin: germline.

Blueprint Genetics
Classification: Benign. Last evaluated: 2024-05-06. Review status: criteria provided, single submitter. Criteria: ACMG Guidelines, 2015. Collection method: clinical testing. Allele origin: germline.

Baylor Genetics
Classification: Uncertain significance for Cone dystrophy with supernormal rod response. Last evaluated: 2018-01-01. Review status: criteria provided, single submitter. Criteria: ACMG Guidelines, 2015. Collection method: clinical testing. Allele origin: paternal. Affected: yes.
Comment: This variant was determined to be of uncertain significance according to ACMG Guidelines, 2015 [PMID:25741868].